The following is an entry in ClinVar:

NM_004415.4(DSP):c.350A>G (p.Gln117Arg)

Gene: DSP (desmoplakin; plus strand). Cytogenetic location: 6p24.3.
Variant type: single nucleotide variant.
Coding change: c.350A>G on transcript NM_004415.4 (MANE Select); coding-DNA position 350, A replaced by G.
Protein change: p.Gln117Arg; replaces glutamine 117 with arginine.
Molecular consequence: missense variant.
Genome position (GRCh38, 1-based): chr6:7,558,192, A>G. VCF-style: chr6-7558192-A-G. GRCh37 (hg19) VCF-style: chr6-7558425-A-G.
Other names: c.350A>G, p.Gln117Arg (NM_001008844.3, NM_001319034.2, NM_001406591.1); short protein forms Q117R.
Identifiers: ClinVar variation 2192870 (VCV002192870.4), dbSNP rs2533849403, ClinGen allele CA362671262.
Genomic context (GRCh38, chr6:7,558,192, plus strand): 5'-ATGGAATACAACTGACTCGGAGTCGAGAATTGGATGAGTGTTTTGCCCAGGCCAATGACC[A>G]AATGGAAATCCTCGACAGCTTGATCAGAGAGATGCGGCAGATGGGCCAGCCCTGTGATGC-3'
Protein context (NP_004406.2, residues 107-127): LDECFAQAND[Gln117Arg]MEILDSLIRE

ClinVar aggregate classification (germline): Uncertain significance (1 of 4 stars; one submission).

Conditions:
Arrhythmogenic cardiomyopathy with wooly hair and keratoderma. Also called: Dilated cardiomyopathy with woolly hair and keratoderma; Carvajal syndrome; PALMOPLANTAR KERATODERMA WITH LEFT VENTRICULAR CARDIOMYOPATHY AND WOOLLY HAIR; Arrhythmogenic cardiomyopathy with woolly hair and keratoderma. Identifiers: Orphanet 65282, MedGen C1854063, MONDO:0011581, OMIM 605676.
Arrhythmogenic right ventricular dysplasia 8 (ARVD8). Also called: Arrhythmogenic Right Ventricular Dysplasia/Cardiomyopathy 8; ARRHYTHMOGENIC RIGHT VENTRICULAR DYSPLASIA, FAMILIAL, 8; ARRHYTHMOGENIC RIGHT VENTRICULAR CARDIOMYOPATHY 8. Identifiers: MedGen C1843896, MONDO:0011831, OMIM 607450.

Submission:

Labcorp Genetics (formerly Invitae), Labcorp
Classification: Uncertain significance for Arrhythmogenic cardiomyopathy with wooly hair and keratoderma; Arrhythmogenic right ventricular dysplasia 8. Last evaluated: 2022-04-06. Review status: criteria provided, single submitter. Criteria: Invitae Variant Classification Sherloc (09022015). Collection method: clinical testing. Allele origin: germline.
Comment: This sequence change replaces glutamine, which is neutral and polar, with arginine, which is basic and polar, at codon 117 of the DSP protein (p.Gln117Arg). This variant is not present in population databases (gnomAD no frequency). This variant has not been reported in the literature in individuals affected with DSP-related conditions. Algorithms developed to predict the effect of missense changes on protein structure and function (SIFT, PolyPhen-2, Align-GVGD) all suggest that this variant is likely to be tolerated. In summary, the available evidence is currently insufficient to determine the role of this variant in disease. Therefore, it has been classified as a Variant of Uncertain Significance.